The following is an entry in ClinVar:

ClinVar aggregate classification (germline): Uncertain significance. Review status: criteria provided, multiple submitters, no conflicts (2 of 4 stars). 2 submissions from 2 submitters: Uncertain significance (2). Last evaluated 2025-11-09.

Conditions:
Myasthenic syndrome, congenital, 7B, presynaptic, autosomal recessive (CMS7B). Identifiers: MedGen C5561947, MONDO:0030341, OMIM 619461.
Congenital myasthenic syndrome 7. Also called: MYASTHENIC SYNDROME, CONGENITAL, 7A, PRESYNAPTIC, AND DISTAL MOTOR NEUROPATHY, AUTOSOMAL DOMINANT; Myasthenic syndrome, congenital, 7, presynaptic. Identifiers: Orphanet 590, MedGen C4015038, MONDO:0014468, OMIM 616040.

Allele frequency attached by ClinVar (database versions not stated): gnomAD 0.00005 and 0.00006; TOPMed 0.00005; ESP Exome Variant Server 0.00023; 1000 Genomes Project 30x 0.00031; 1000 Genomes Project 0.00040.
gnomAD v4.1: 106 of 1,610,194 alleles (0.0066%); highest among the groups gnomAD compares: African/African-American, 0.008%; no homozygotes.

Submissions (2):

Labcorp Genetics (formerly Invitae), Labcorp
Classification: Uncertain significance. Last evaluated: 2025-11-09. Review status: criteria provided, single submitter. Criteria: Invitae Variant Classification Sherloc (09022015). Collection method: clinical testing. Allele origin: germline.
Comment: This sequence change replaces valine, which is neutral and non-polar, with methionine, which is neutral and non-polar, at codon 328 of the SYT2 protein (p.Val328Met). This variant is present in population databases (rs142292654, gnomAD 0.01%). This variant has not been reported in the literature in individuals affected with SYT2-related conditions. ClinVar contains an entry for this variant (Variation ID: 1347310). Invitae Evidence Modeling of protein sequence and biophysical properties (such as structural, functional, and spatial information, amino acid conservation, physicochemical variation, residue mobility, and thermodynamic stability) indicates that this missense variant is expected to disrupt SYT2 protein function with a positive predictive value of 80%. In summary, the available evidence is currently insufficient to determine the role of this variant in disease. Therefore, it has been classified as a Variant of Uncertain Significance.

Department of Pathology and Laboratory Medicine, Sinai Health System
Classification: Uncertain significance for Congenital myasthenic syndrome 7; Myasthenic syndrome, congenital, 7B, presynaptic, autosomal recessive. Last evaluated: 2021-07-30. Review status: criteria provided, single submitter. Criteria: ACMG Guidelines, 2015. Collection method: research. Allele origin: germline.

NM_177402.5(SYT2):c.982G>A (p.Val328Met)

Gene: SYT2 (synaptotagmin 2; minus strand). Cytogenetic location: 1q32.1.
Variant type: single nucleotide variant.
Coding change: c.982G>A on transcript NM_177402.5 (MANE Select); coding-DNA position 982, G replaced by A.
Protein change: p.Val328Met; replaces valine 328 with methionine.
Molecular consequence: missense variant.
Genome position (GRCh38, 1-based): chr1:202,599,289, C>T on the plus strand (G>A on the coding strand, the complement: SYT2 is on the minus strand). VCF-style: chr1-202599289-C-T. GRCh37 (hg19) VCF-style: chr1-202568417-C-T.
Other names: c.982G>A, p.Val328Met (NM_001136504.1); short protein forms V328M.
Identifiers: ClinVar variation 1347310 (VCV001347310.7), dbSNP rs142292654, ClinGen allele CA1333643.